The following is an entry in ClinVar:

NM_206996.4(SPAG17):c.6486C>T (p.Ile2162=)

Gene: SPAG17 (sperm associated antigen 17; minus strand). Cytogenetic location: 1p12.
Variant type: single nucleotide variant.
Coding change: c.6486C>T on transcript NM_206996.4 (MANE Select); coding-DNA position 6486, C replaced by T.
Protein change: p.Ile2162=; no amino-acid change (isoleucine 2162 retained).
Molecular consequence: synonymous variant.
Genome position (GRCh38, 1-based): chr1:117,966,655, G>A on the plus strand (C>T on the coding strand, the complement: SPAG17 is on the minus strand). VCF-style: chr1-117966655-G-A. GRCh37 (hg19) VCF-style: chr1-118509278-G-A.
Identifiers: ClinVar variation 3060044 (VCV003060044.2), dbSNP rs3738422, ClinGen allele CA1032775.
Genomic context (GRCh38, chr1:117,966,655, plus strand): 5'-ACTTTAAAGGATATTTGCTTCCACAGGTAGGAACAGAACCTCATGCTCTGTCATAATCTC[G>A]ATATTGTGAGAGATGTGTGCTGATCCCTTGGCCCCATCCTCTCCAACAGCTGTGGCAAAT-3'
Protein context (NP_996879.1, residues 2152-2172): AKGSAHISHN[Ile2162=]EIMTEHEVLF

ClinVar aggregate classification (germline): Benign (0 of 4 stars; one submission).

Conditions:
SPAG17-related disorder. Also called: SPAG17-related condition.

Allele frequency attached by ClinVar (database versions not stated): ESP Exome Variant Server 0.00500; TOPMed 0.00971; gnomAD 0.01138; 1000 Genomes Project 30x 0.03795; 1000 Genomes Project 0.03874.
gnomAD v4.1: 21,891 of 1,613,462 alleles (1.4%); highest among the groups gnomAD compares: South Asian, 9.1%; 593 homozygotes.

Submission:

PreventionGenetics, part of Exact Sciences
Classification: Benign for SPAG17-related condition. Last evaluated: 2019-10-18. Review status: no assertion criteria provided. Collection method: clinical testing. Allele origin: germline.
Comment: This variant is classified as benign based on ACMG/AMP sequence variant interpretation guidelines (Richards et al. 2015 PMID: 25741868, with internal and published modifications).